The following is an entry in ClinVar:

NM_020774.4(MIB1):c.1226A>T (p.Asn409Ile)

Gene: MIB1 (MIB E3 ubiquitin protein ligase 1; plus strand). Cytogenetic location: 18q11.2.
Variant type: single nucleotide variant.
Coding change: c.1226A>T on transcript NM_020774.4 (MANE Select); coding-DNA position 1226, A replaced by T.
Protein change: p.Asn409Ile; replaces asparagine 409 with isoleucine.
Molecular consequence: missense variant.
Genome position (GRCh38, 1-based): chr18:21,798,217, A>T. VCF-style: chr18-21798217-A-T. GRCh37 (hg19) VCF-style: chr18-19378178-A-T.
Other names: short protein forms N409I.
Identifiers: ClinVar variation 3227400 (VCV003227400.1), dbSNP rs138693285, ClinGen allele CA401751856.

ClinVar aggregate classification (germline): Uncertain significance (1 of 4 stars; one submission).

Conditions:
Inborn genetic diseases. Identifiers: MedGen C0950123, MeSH D030342.

Submission:

Ambry Genetics
Classification: Uncertain significance for Inborn genetic diseases. Last evaluated: 2024-01-27. Review status: criteria provided, single submitter. Criteria: Ambry Variant Classification Scheme 2023. Collection method: clinical testing. Allele origin: germline.
Comment: The p.N409I variant (also known as c.1226A>T), located in coding exon 8 of the MIB1 gene, results from an A to T substitution at nucleotide position 1226. The asparagine at codon 409 is replaced by isoleucine, an amino acid with dissimilar properties. This amino acid position is conserved. In addition, the in silico prediction for this alteration is inconclusive. Based on the available evidence, the clinical significance of this alteration remains unclear.